The following is an entry in ClinVar:

NM_001042492.3(NF1):c.1153del (p.Arg385fs)

Gene: NF1 (neurofibromin 1; plus strand). Cytogenetic location: 17q11.2.
Variant type: Deletion.
Coding change: c.1153del on transcript NM_001042492.3 (MANE Select); coding-DNA position 1153, one base deleted (C; older notation c.1153delC).
Protein change: p.Arg385fs; shifts the reading frame from arginine 385.
Molecular consequence: frameshift variant.
Genome position (GRCh38, 1-based): chr17:31,201,127, C deleted. VCF-style (leftmost placement, unchanged base first): chr17-31201126-TC-T. GRCh37 (hg19) VCF-style: chr17-29528144-TC-T.
Other names: c.1153delC, p.Arg385Valfs (NM_000267.4); c.1153del, p.Arg385fs (NM_001128147.3); short protein forms R385fs.
Identifiers: ClinVar variation 854268 (VCV000854268.6), dbSNP rs2066520848, ClinGen allele CA499220071.

ClinVar aggregate classification (germline): Pathogenic (1 of 4 stars; one submission).

Conditions:
Neurofibromatosis, type 1 (NF1). Also called: Neurofibromatosis, type I; VON RECKLINGHAUSEN DISEASE; Peripheral type neurofibromatosis; NEUROFIBROMATOSIS, TYPE I, SOMATIC. Identifiers: Orphanet 636, MedGen C0027831, MONDO:0018975, OMIM 162200. Disease mechanism: loss of function.

Submission:

Labcorp Genetics (formerly Invitae), Labcorp
Classification: Pathogenic for Neurofibromatosis, type 1. Last evaluated: 2019-01-26. Review status: criteria provided, single submitter. Criteria: Invitae Variant Classification Sherloc (09022015). Collection method: clinical testing. Allele origin: germline.
Comment: For these reasons, this variant has been classified as Pathogenic. Loss-of-function variants in NF1 are known to be pathogenic (PMID: 10712197, 23913538). This variant has not been reported in the literature in individuals with NF1-related conditions. This variant is not present in population databases (ExAC no frequency). This sequence change creates a premature translational stop signal (p.Arg385Valfs*2) in the NF1 gene. It is expected to result in an absent or disrupted protein product.

Literature cited by the submitters: PubMed 10712197; PubMed 23913538.